The following is an entry in ClinVar:

NM_000368.5(TSC1):c.3260T>A (p.Phe1087Tyr)

Gene: TSC1 (TSC complex subunit 1; minus strand). Cytogenetic location: 9q34.13.
Variant type: single nucleotide variant.
Coding change: c.3260T>A on transcript NM_000368.5 (MANE Select); coding-DNA position 3260, T replaced by A.
Protein change: p.Phe1087Tyr; replaces phenylalanine 1087 with tyrosine.
Molecular consequence: missense variant.
Genome position (GRCh38, 1-based): chr9:132,896,470, A>T on the plus strand (T>A on the coding strand, the complement: TSC1 is on the minus strand). VCF-style: chr9-132896470-A-T. GRCh37 (hg19) VCF-style: chr9-135771857-A-T.
Other names: c.3260T>A (NM_000368.4); c.3257T>A, p.Phe1086Tyr (NM_001162426.2); c.3107T>A, p.Phe1036Tyr (NM_001162427.2); c.2897T>A, p.Phe966Tyr (NM_001362177.2); short protein forms F1086Y, F1087Y, F1036Y, F966Y.
Identifiers: ClinVar variation 1397179 (VCV001397179.9), dbSNP rs2131598234, ClinGen allele CA375366815.

ClinVar aggregate classification (germline): Uncertain significance. Review status: criteria provided, multiple submitters, no conflicts (2 of 4 stars). 2 submissions from 2 submitters: Uncertain significance (2). Last evaluated 2024-03-06.

Conditions:
Tuberous sclerosis 1 (TSC1). Identifiers: Orphanet 805, MedGen C1854465, MONDO:0008612, OMIM 191100.

Submissions (2):

GeneDx
Classification: Uncertain significance. Last evaluated: 2024-03-06. Review status: criteria provided, single submitter. Criteria: GeneDx Variant Classification Process June 2021. Collection method: clinical testing. Allele origin: germline. Affected: yes.
Comment: Not observed at significant frequency in large population cohorts (gnomAD); In silico analysis supports that this missense variant does not alter protein structure/function; Has not been previously published as pathogenic or benign to our knowledge

Labcorp Genetics (formerly Invitae), Labcorp
Classification: Uncertain significance for Tuberous sclerosis 1. Last evaluated: 2022-12-24. Review status: criteria provided, single submitter. Criteria: Invitae Variant Classification Sherloc (09022015). Collection method: clinical testing. Allele origin: germline.
Comment: Advanced modeling of protein sequence and biophysical properties (such as structural, functional, and spatial information, amino acid conservation, physicochemical variation, residue mobility, and thermodynamic stability) performed at Invitae indicates that this missense variant is not expected to disrupt TSC1 protein function. In summary, the available evidence is currently insufficient to determine the role of this variant in disease. Therefore, it has been classified as a Variant of Uncertain Significance. ClinVar contains an entry for this variant (Variation ID: 1397179). This variant has not been reported in the literature in individuals affected with TSC1-related conditions. This variant is not present in population databases (gnomAD no frequency). This sequence change replaces phenylalanine, which is neutral and non-polar, with tyrosine, which is neutral and polar, at codon 1087 of the TSC1 protein (p.Phe1087Tyr).